The following is an entry in ClinVar:

NM_007327.4(GRIN1):c.546G>A (p.Thr182=)

Gene: GRIN1 (glutamate ionotropic receptor NMDA type subunit 1; plus strand). Cytogenetic location: 9q34.3.
Variant type: single nucleotide variant.
Coding change: c.546G>A on transcript NM_007327.4 (MANE Select); coding-DNA position 546, G replaced by A.
Protein change: p.Thr182=; no amino-acid change (threonine 182 retained).
Molecular consequence: synonymous variant.
Genome position (GRCh38, 1-based): chr9:137,145,878, G>A. VCF-style: chr9-137145878-G-A. GRCh37 (hg19) VCF-style: chr9-140040330-G-A.
Other names: c.546G>A, p.Thr182= (NM_000832.7, NM_001185090.2, NM_001185091.2 and 1 more transcripts).
Identifiers: ClinVar variation 700154 (VCV000700154.14), dbSNP rs77854056, ClinGen allele CA5360672.

ClinVar aggregate classification (germline): Likely benign. Review status: criteria provided, multiple submitters, no conflicts (2 of 4 stars). 3 submissions from 3 submitters: Likely benign (3). Last evaluated 2025-11-09.

Conditions:
Neurodevelopmental disorder with or without hyperkinetic movements and seizures, autosomal dominant. Also called: Intellectual disability, autosomal dominant 8. Identifiers: MedGen C3280282, MONDO:0013655, OMIM 614254.
GRIN1-related disorder. Also called: GRIN1-related condition.
Inborn genetic diseases. Identifiers: MedGen C0950123, MeSH D030342.

Allele frequency attached by ClinVar (database versions not stated): gnomAD exomes 0.00001 and 0.00004; ExAC 0.00003; gnomAD 0.00005 and 0.00006; TOPMed 0.00005.
gnomAD v4.1: 71 of 1,606,664 alleles (0.0044%); highest among the groups gnomAD compares: Non-Finnish European, 0.0048%; 1 homozygote.

Submissions (3):

Labcorp Genetics (formerly Invitae), Labcorp
Classification: Likely benign for Neurodevelopmental disorder with or without hyperkinetic movements and seizures, autosomal dominant. Last evaluated: 2025-11-09. Review status: criteria provided, single submitter. Criteria: Invitae Variant Classification Sherloc (09022015). Collection method: clinical testing. Allele origin: germline.

PreventionGenetics, part of Exact Sciences
Classification: Likely benign for GRIN1-related condition. Last evaluated: 2025-02-15. Review status: criteria provided, single submitter. Criteria: ACMG Guidelines, 2015. Collection method: clinical testing. Allele origin: germline.
Comment: This variant is classified as likely benign based on ACMG/AMP sequence variant interpretation guidelines (Richards et al. 2015 PMID: 25741868, with internal and published modifications).

Ambry Genetics
Classification: Likely benign for Inborn genetic diseases. Last evaluated: 2019-10-23. Review status: criteria provided, single submitter. Criteria: Ambry Variant Classification Scheme 2023. Collection method: clinical testing. Allele origin: germline.